The following is an entry in ClinVar:

NM_001139.3(ALOX12B):c.673G>A (p.Gly225Ser)

Gene: ALOX12B (arachidonate 12-lipoxygenase, 12R type; minus strand). Cytogenetic location: 17p13.1.
Variant type: single nucleotide variant.
Coding change: c.673G>A on transcript NM_001139.3 (MANE Select); coding-DNA position 673, G replaced by A.
Protein change: p.Gly225Ser; replaces glycine 225 with serine.
Molecular consequence: missense variant.
Genome position (GRCh38, 1-based): chr17:8,080,316, C>T on the plus strand (G>A on the coding strand, the complement: ALOX12B is on the minus strand). VCF-style: chr17-8080316-C-T. GRCh37 (hg19) VCF-style: chr17-7983634-C-T.
Other names: c.673G>A, p.Gly225Ser (LRG_1264t1); short protein forms G225S.
Identifiers: ClinVar variation 418002 (VCV000418002.6), dbSNP rs780587561, ClinGen allele CA8367553.

ClinVar aggregate classification (germline): Uncertain significance. Review status: criteria provided, multiple submitters, no conflicts (2 of 4 stars). 2 submissions from 2 submitters: Uncertain significance (2). Last evaluated 2023-02-15.

Allele frequency attached by ClinVar (database versions not stated): ExAC 0.00002; gnomAD exomes 0.00001; TOPMed 0.00001.
gnomAD v4.1: 4 of 1,614,184 alleles (0.00025%); highest among the groups gnomAD compares: Admixed American, 0.0033%; no homozygotes.

Submissions (2):

Labcorp Genetics (formerly Invitae), Labcorp
Classification: Uncertain significance. Last evaluated: 2023-02-15. Review status: criteria provided, single submitter. Criteria: Invitae Variant Classification Sherloc (09022015). Collection method: clinical testing. Allele origin: germline.
Comment: Advanced modeling of protein sequence and biophysical properties (such as structural, functional, and spatial information, amino acid conservation, physicochemical variation, residue mobility, and thermodynamic stability) performed at Invitae indicates that this missense variant is not expected to disrupt ALOX12B protein function. This sequence change replaces glycine, which is neutral and non-polar, with serine, which is neutral and polar, at codon 225 of the ALOX12B protein (p.Gly225Ser). This variant is present in population databases (rs780587561, gnomAD 0.009%). This missense change has been observed in individual(s) with congenital ichthyosis (Invitae). In at least one individual the data is consistent with being in trans (on the opposite chromosome) from a pathogenic variant. ClinVar contains an entry for this variant (Variation ID: 418002). In summary, the available evidence is currently insufficient to determine the role of this variant in disease. Therefore, it has been classified as a Variant of Uncertain Significance.

GeneDx
Classification: Uncertain significance. Last evaluated: 2021-01-12. Review status: criteria provided, single submitter. Criteria: GeneDx Variant Classification Process June 2021. Collection method: clinical testing. Allele origin: germline. Affected: yes.
Comment: Has not been previously published as pathogenic or benign to our knowledge; In silico analysis supports that this missense variant has a deleterious effect on protein structure/function